The following is an entry in ClinVar:

ClinVar aggregate classification (germline): Conflicting classifications of pathogenicity. Review status: criteria provided, conflicting classifications (1 of 4 stars). 3 submissions from 3 submitters: Likely pathogenic (2); Uncertain significance (1). Last evaluated 2022-10-27.

Conditions:
PURA-related severe neonatal hypotonia-seizures-encephalopathy syndrome (NEDRIHF). Also called: PURA-Related Neurodevelopmental Disorders; NEURODEVELOPMENTAL DISORDER WITH NEONATAL RESPIRATORY INSUFFICIENCY, HYPOTONIA, AND FEEDING DIFFICULTIES. Identifiers: Orphanet 438213, Orphanet 438216, MedGen C4015357, MONDO:1060108, OMIM 616158, MONDO:0018580.
Inborn genetic diseases. Identifiers: MedGen C0950123, MeSH D030342.

Submissions (3):

Labcorp Genetics (formerly Invitae), Labcorp
Classification: Uncertain significance for PURA-related severe neonatal hypotonia-seizures-encephalopathy syndrome. Last evaluated: 2022-10-27. Review status: criteria provided, single submitter. Criteria: Invitae Variant Classification Sherloc (09022015). Collection method: clinical testing. Allele origin: germline.
Comment: ClinVar contains an entry for this variant (Variation ID: 522148). In summary, the available evidence is currently insufficient to determine the role of this variant in disease. Therefore, it has been classified as a Variant of Uncertain Significance. Advanced modeling of protein sequence and biophysical properties (such as structural, functional, and spatial information, amino acid conservation, physicochemical variation, residue mobility, and thermodynamic stability) performed at Invitae indicates that this missense variant is not expected to disrupt PURA protein function. This variant has not been reported in the literature in individuals affected with PURA-related conditions. This variant is not present in population databases (gnomAD no frequency). This sequence change replaces leucine, which is neutral and non-polar, with proline, which is neutral and non-polar, at codon 102 of the PURA protein (p.Leu102Pro).

Laboratorio de Genetica e Diagnostico Molecular, Hospital Israelita Albert Einstein
Classification: Likely pathogenic for PURA-related severe neonatal hypotonia-seizures-encephalopathy syndrome. Last evaluated: 2022-06-03. Review status: criteria provided, single submitter. Criteria: ACMG Guidelines, 2015. Collection method: clinical testing. Allele origin: germline. Affected: yes. Observed: 1 variant allele.
Comment: ACMG classification criteria: PS4 supporting, PM2 moderated, PM5 moderated, PP2 supporting, PP3 supporting

Ambry Genetics
Classification: Likely pathogenic for Inborn genetic diseases. Last evaluated: 2017-10-27. Review status: criteria provided, single submitter. Criteria: Ambry exome assertion method (8-5-2015). Collection method: clinical testing. Allele origin: germline. Affected: yes. Observed: 1 variant allele.

Literature cited by the submitters: PubMed 9461080 (cited by Ambry Genetics); PubMed 19846792 (cited by Ambry Genetics); PubMed 26744780 (cited by Ambry Genetics); PubMed 12818205 (cited by Ambry Genetics).

NM_005859.5(PURA):c.305T>C (p.Leu102Pro)

Gene: PURA (purine rich element binding protein A; plus strand). Cytogenetic location: 5q31.3.
Variant type: single nucleotide variant.
Coding change: c.305T>C on transcript NM_005859.5 (MANE Select); coding-DNA position 305, T replaced by C.
Protein change: p.Leu102Pro; replaces leucine 102 with proline.
Molecular consequence: missense variant.
Genome position (GRCh38, 1-based): chr5:140,114,486, T>C. VCF-style: chr5-140114486-T-C. GRCh37 (hg19) VCF-style: chr5-139494071-T-C.
Other names: short protein forms L102P.
Identifiers: ClinVar variation 522148 (VCV000522148.8), dbSNP rs793888531, ClinGen allele CA361490470.